The following is an entry in ClinVar:

NM_001378778.1(MPDZ):c.4616G>A (p.Gly1539Asp)

Gene: MPDZ (multiple PDZ domain crumbs cell polarity complex component; minus strand). Cytogenetic location: 9p23.
Variant type: single nucleotide variant.
Coding change: c.4616G>A on transcript NM_001378778.1 (MANE Select); coding-DNA position 4616, G replaced by A.
Protein change: p.Gly1539Asp; replaces glycine 1539 with aspartic acid.
Molecular consequence: missense variant.
Genome position (GRCh38, 1-based): chr9:13,126,532, C>T on the plus strand (G>A on the coding strand, the complement: MPDZ is on the minus strand). VCF-style: chr9-13126532-C-T. GRCh37 (hg19) VCF-style: chr9-13126531-C-T.
Other names: c.4517G>A, p.Gly1506Asp (NM_001261406.2, NM_001261407.2, NM_001375416.1 and 3 more transcripts); c.4616G>A, p.Gly1539Asp (NM_001330637.2, NM_003829.5); c.4715G>A, p.Gly1572Asp (NM_001375413.1); c.4406G>A, p.Gly1469Asp (NM_001375420.1, NM_001375421.1, NM_001375422.1 and 4 more transcripts); c.4208G>A, p.Gly1403Asp (NM_001375427.1); short protein forms G1403D, G1539D, G1572D, G1469D, G1506D.
Identifiers: ClinVar variation 1373673 (VCV001373673.3), dbSNP rs779148372, ClinGen allele CA4986635.

ClinVar aggregate classification (germline): Uncertain significance (1 of 4 stars; one submission).

Allele frequency attached by ClinVar (database versions not stated): gnomAD exomes 0.00003 and 0.00007; gnomAD 0.00004; TOPMed 0.00004; ExAC 0.00015.

Submission:

Labcorp Genetics (formerly Invitae), Labcorp
Classification: Uncertain significance. Last evaluated: 2022-07-12. Review status: criteria provided, single submitter. Criteria: Invitae Variant Classification Sherloc (09022015). Collection method: clinical testing. Allele origin: germline.
Comment: This sequence change replaces glycine, which is neutral and non-polar, with aspartic acid, which is acidic and polar, at codon 1539 of the MPDZ protein (p.Gly1539Asp). This variant is present in population databases (rs779148372, gnomAD 0.07%). This missense change has been observed in individual(s) with retinitis pigmentosa (Invitae). ClinVar contains an entry for this variant (Variation ID: 1373673). Algorithms developed to predict the effect of missense changes on protein structure and function (SIFT, PolyPhen-2, Align-GVGD) all suggest that this variant is likely to be disruptive. In summary, the available evidence is currently insufficient to determine the role of this variant in disease. Therefore, it has been classified as a Variant of Uncertain Significance.